The following is an entry in ClinVar:

ClinVar aggregate classification (germline): Uncertain significance (1 of 4 stars; one submission).

Conditions:
Early Myoclonic Encephalopathy. Identifiers: MedGen C0270855.

gnomAD v4.1: 3 of 1,613,806 alleles (0.00019%); highest among the groups gnomAD compares: Non-Finnish European, 0.00025%; no homozygotes.

Submission:

Labcorp Genetics (formerly Invitae), Labcorp
Classification: Uncertain significance for Early Myoclonic Encephalopathy. Last evaluated: 2022-07-24. Review status: criteria provided, single submitter. Criteria: Invitae Variant Classification Sherloc (09022015). Collection method: clinical testing. Allele origin: germline.
Comment: In summary, the available evidence is currently insufficient to determine the role of this variant in disease. Therefore, it has been classified as a Variant of Uncertain Significance. Algorithms developed to predict the effect of missense changes on protein structure and function are either unavailable or do not agree on the potential impact of this missense change (SIFT: "Deleterious"; PolyPhen-2: "Benign"; Align-GVGD: "Class C0"). This variant has not been reported in the literature in individuals affected with JMJD1C-related conditions. This variant is not present in population databases (gnomAD no frequency). This sequence change replaces threonine, which is neutral and polar, with isoleucine, which is neutral and non-polar, at codon 490 of the JMJD1C protein (p.Thr490Ile).

NM_032776.3(JMJD1C):c.1469C>T (p.Thr490Ile)

Gene: JMJD1C (jumonji domain containing 1C; minus strand). Cytogenetic location: 10q21.3.
Variant type: single nucleotide variant.
Coding change: c.1469C>T on transcript NM_032776.3 (MANE Select); coding-DNA position 1469, C replaced by T.
Protein change: p.Thr490Ile; replaces threonine 490 with isoleucine.
Molecular consequence: missense variant. On other transcripts: non-coding transcript variant (1).
Genome position (GRCh38, 1-based): chr10:63,214,698, G>A on the plus strand (C>T on the coding strand, the complement: JMJD1C is on the minus strand). VCF-style: chr10-63214698-G-A. GRCh37 (hg19) VCF-style: chr10-64974458-G-A.
Other names: c.923C>T, p.Thr308Ile (NM_001282948.2, NM_001318154.2); c.605C>T, p.Thr202Ile (NM_001318153.2); c.1355C>T, p.Thr452Ile (NM_001322252.2); c.812C>T, p.Thr271Ile (NM_001322254.2, NM_001322258.2); short protein forms T202I, T271I, T308I, T452I, T490I.
Identifiers: ClinVar variation 1713675 (VCV001713675.5), dbSNP rs61758116, ClinGen allele CA377049286.